The following is an entry in ClinVar:

NM_001032283.3(TMPO):c.565+1471C>A

Gene: TMPO (thymopoietin; plus strand). Cytogenetic location: 12q23.1.
Variant type: single nucleotide variant.
Coding change: c.565+1471C>A on transcript NM_001032283.3 (MANE Select); 1471 bases into the intron after coding-DNA position 565, C replaced by A.
Molecular consequence: intron variant. On other transcripts: nonsense (1).
Genome position (GRCh38, 1-based): chr12:98,533,309, C>A. VCF-style: chr12-98533309-C-A. GRCh37 (hg19) VCF-style: chr12-98927087-C-A.
Other names: c.1052C>A, p.Ser351Ter (NM_003276.2); c.565+1471C>A (NM_001307975.2, NM_001032284.3); short protein forms S351*.
Identifiers: ClinVar variation 4772379 (VCV004772379.1).

ClinVar aggregate classification (germline): Uncertain significance (1 of 4 stars; one submission).

Conditions:
Loeys-Dietz syndrome 2 (LDS2). Also called: TGFBR2-Related Loeys-Dietz Syndrome; AORTIC ANEURYSM, FAMILIAL THORACIC 3; MARFAN SYNDROME, TYPE II; Marfan syndrome, type 2 (formerly); Marfan Syndrome type 2; Marfan like connective tissue disorder. Identifiers: Orphanet 284973, Orphanet 558, MedGen C2674574, MONDO:0012427, OMIM 610168.

Submission:

Labcorp Genetics (formerly Invitae), Labcorp
Classification: Uncertain significance for Loeys-Dietz syndrome 2. Last evaluated: 2025-07-18. Review status: criteria provided, single submitter. Criteria: Invitae Variant Classification Sherloc (09022015). Collection method: clinical testing. Allele origin: germline.
Comment: This sequence change creates a premature translational stop signal (p.Ser351*) in the TMPO gene. While this is not anticipated to result in nonsense mediated decay, it is expected to disrupt the last 344 amino acid(s) of the TMPO protein. This variant is not present in population databases (gnomAD no frequency). This variant has not been reported in the literature in individuals affected with TMPO-related conditions. Experimental studies and prediction algorithms are not available or were not evaluated, and the functional significance of this variant is currently unknown. In summary, the available evidence is currently insufficient to determine the role of this variant in disease. Therefore, it has been classified as a Variant of Uncertain Significance.